The following is an entry in ClinVar:

NM_005732.4(RAD50):c.998A>G (p.Asn333Ser)

Gene: RAD50 (RAD50 double strand break repair protein; plus strand). Cytogenetic location: 5q31.1.
Variant type: single nucleotide variant.
Coding change: c.998A>G on transcript NM_005732.4 (MANE Select); coding-DNA position 998, A replaced by G.
Protein change: p.Asn333Ser; replaces asparagine 333 with serine.
Molecular consequence: missense variant.
Genome position (GRCh38, 1-based): chr5:132,588,036, A>G. VCF-style: chr5-132588036-A-G. GRCh37 (hg19) VCF-style: chr5-131923728-A-G.
Other names: short protein forms N333S.
Identifiers: ClinVar variation 527358 (VCV000527358.12), dbSNP rs1554098201, ClinGen allele CA360941363.

ClinVar aggregate classification (germline): Uncertain significance. Review status: criteria provided, multiple submitters, no conflicts (2 of 4 stars). 2 submissions from 2 submitters: Uncertain significance (2). Last evaluated 2025-03-20.

Conditions:
Hereditary cancer-predisposing syndrome. Also called: Neoplastic Syndromes, Hereditary; Tumor predisposition; Hereditary Cancer Syndrome; Hereditary neoplastic syndrome. Identifiers: Orphanet 140162, MedGen C0027672, MeSH D009386, MONDO:0015356.

Allele frequency attached by ClinVar (database versions not stated): gnomAD exomes below 0.00001.
gnomAD v4.1: 1 of 1,612,722 alleles (0.000062%); highest among the groups gnomAD compares: Non-Finnish European, 0.000085%; no homozygotes.

Submissions (2):

Ambry Genetics
Classification: Uncertain significance for Hereditary cancer-predisposing syndrome. Last evaluated: 2025-03-20. Review status: criteria provided, single submitter. Criteria: Ambry Variant Classification Scheme 2023. Collection method: clinical testing. Allele origin: germline.
Comment: The p.N333S variant (also known as c.998A>G), located in coding exon 7 of the RAD50 gene, results from an A to G substitution at nucleotide position 998. The asparagine at codon 333 is replaced by serine, an amino acid with highly similar properties. This amino acid position is poorly conserved in available vertebrate species. In addition, this alteration is predicted to be tolerated by in silico analysis. Since supporting evidence is limited at this time, the clinical significance of this alteration remains unclear.

Labcorp Genetics (formerly Invitae), Labcorp
Classification: Uncertain significance for Hereditary cancer-predisposing syndrome. Last evaluated: 2023-01-20. Review status: criteria provided, single submitter. Criteria: Invitae Variant Classification Sherloc (09022015). Collection method: clinical testing. Allele origin: germline.
Comment: This sequence change replaces asparagine, which is neutral and polar, with serine, which is neutral and polar, at codon 333 of the RAD50 protein (p.Asn333Ser). This variant is not present in population databases (gnomAD no frequency). In summary, the available evidence is currently insufficient to determine the role of this variant in disease. Therefore, it has been classified as a Variant of Uncertain Significance. Advanced modeling of protein sequence and biophysical properties (such as structural, functional, and spatial information, amino acid conservation, physicochemical variation, residue mobility, and thermodynamic stability) performed at Invitae indicates that this missense variant is not expected to disrupt RAD50 protein function. ClinVar contains an entry for this variant (Variation ID: 527358). This variant has not been reported in the literature in individuals affected with RAD50-related conditions.